The following is an entry in ClinVar:

NM_001042492.3(NF1):c.1324_1325dup (p.Met442fs)

Gene: NF1 (neurofibromin 1; plus strand). Cytogenetic location: 17q11.2.
Variant type: Microsatellite.
Coding change: c.1324_1325dup on transcript NM_001042492.3 (MANE Select); coding-DNA positions 1324 to 1325, 2 bases duplicated (AT; older notation c.1324_1325dupAT).
Protein change: p.Met442fs; shifts the reading frame from methionine 442.
Molecular consequence: frameshift variant.
Genome position (GRCh38, 1-based): chr17:31,206,303-31,206,304, AT duplicated; duplicating any 2 consecutive bases within chr17:31,206,301-31,206,304 gives the same sequence; the c. name uses the placement nearest the transcript's 3' end. VCF-style (leftmost placement, unchanged base first): chr17-31206300-A-AAT. GRCh37 (hg19) VCF-style: chr17-29533318-A-AAT.
Other names: c.1324_1325dup, p.Met442fs (NM_000267.4, NM_001128147.3); short protein forms M442fs.
Identifiers: ClinVar variation 4735789 (VCV004735789.1).

ClinVar aggregate classification (germline): Pathogenic (1 of 4 stars; one submission).

Conditions:
Neurofibromatosis, type 1 (NF1). Also called: VON RECKLINGHAUSEN DISEASE; Peripheral type neurofibromatosis; NEUROFIBROMATOSIS, TYPE I, SOMATIC; Neurofibromatosis, type I. Identifiers: Orphanet 636, MedGen C0027831, MONDO:0018975, OMIM 162200. Disease mechanism: loss of function.

Submission:

Labcorp Genetics (formerly Invitae), Labcorp
Classification: Pathogenic for Neurofibromatosis, type 1. Last evaluated: 2026-01-27. Review status: criteria provided, single submitter. Criteria: Invitae Variant Classification Sherloc (09022015). Collection method: clinical testing. Allele origin: germline.
Comment: This sequence change creates a premature translational stop signal (p.Met442Ilefs*32) in the NF1 gene. It is expected to result in an absent or disrupted protein product. Loss-of-function variants in NF1 are known to be pathogenic (PMID: 10712197, 23913538). This variant is not present in population databases (gnomAD no frequency). This variant has not been reported in the literature in individuals affected with NF1-related conditions. For these reasons, this variant has been classified as Pathogenic.

Literature cited by the submitters: PubMed 10712197; PubMed 23913538.